The following is an entry in ClinVar:

NM_014244.5(ADAMTS2):c.2615G>T (p.Gly872Val)

Gene: ADAMTS2 (ADAM metallopeptidase with thrombospondin type 1 motif 2; minus strand). Cytogenetic location: 5q35.3.
Variant type: single nucleotide variant.
Coding change: c.2615G>T on transcript NM_014244.5 (MANE Select); coding-DNA position 2615, G replaced by T.
Protein change: p.Gly872Val; replaces glycine 872 with valine.
Molecular consequence: missense variant.
Genome position (GRCh38, 1-based): chr5:179,127,961, C>A on the plus strand (G>T on the coding strand, the complement: ADAMTS2 is on the minus strand). VCF-style: chr5-179127961-C-A. GRCh37 (hg19) VCF-style: chr5-178554962-C-A.
Other names: short protein forms G872V.
Identifiers: ClinVar variation 661666 (VCV000661666.11), dbSNP rs1338541722, ClinGen allele CA362422687.

ClinVar aggregate classification (germline): Uncertain significance. Review status: criteria provided, multiple submitters, no conflicts (2 of 4 stars). 4 submissions from 4 submitters: Uncertain significance (3). 1 of the submissions does not count toward it. Last evaluated 2025-11-21.

Conditions:
Ehlers-Danlos syndrome, dermatosparaxis type. Also called: Ehlers-Danlos syndrome, type VII, autosomal recessive; EDS VIIC; Dermatosparaxis. Identifiers: Orphanet 1901, MedGen C2700425, MONDO:0009161, OMIM 225410.
Inborn genetic diseases. Identifiers: MedGen C0950123, MeSH D030342.

Allele frequency attached by ClinVar (database versions not stated): TOPMed below 0.00001; gnomAD exomes 0.00001.
gnomAD v4.1: 3 of 1,613,790 alleles (0.00019%); highest among the groups gnomAD compares: Non-Finnish European, 0.00025%; no homozygotes.

Submissions (4):

Myriad Genetics, Inc.
Classification: Uncertain significance for Ehlers-Danlos syndrome, dermatosparaxis type. Last evaluated: 2025-11-21. Review status: criteria provided, single submitter. Criteria: Myriad Autosomal Dominant, Autosomal Recessive and X-Linked Classification Criteria (2023). Collection method: clinical testing. Allele origin: unknown.
Comment: NM_014244.4(ADAMTS2):c.2615G>T(G872V) is a missense variant classified as a variant of uncertain significance in the context of Ehlers-Danlos syndrome, ADAMTS2-related. G872V has not been observed in cases with relevant disease. Relevant functional assessments of this variant are not available in the literature. G872V has not been observed in referenced population frequency databases. In summary, there is insufficient evidence to classify NM_014244.4(ADAMTS2):c.2615G>T(G872V) as pathogenic or benign. Please note: this variant was assessed in the context of healthy population screening.

Ambry Genetics
Classification: Uncertain significance for Inborn genetic diseases. Last evaluated: 2024-11-10. Review status: criteria provided, single submitter. Criteria: Ambry Variant Classification Scheme 2023. Collection method: clinical testing. Allele origin: germline.

Labcorp Genetics (formerly Invitae), Labcorp
Classification: Uncertain significance for Ehlers-Danlos syndrome, dermatosparaxis type. Last evaluated: 2021-08-31. Review status: criteria provided, single submitter. Criteria: Invitae Variant Classification Sherloc (09022015). Collection method: clinical testing. Allele origin: germline.
Comment: This sequence change replaces glycine with valine at codon 872 of the ADAMTS2 protein (p.Gly872Val). The glycine residue is highly conserved and there is a moderate physicochemical difference between glycine and valine. This variant is not present in population databases (ExAC no frequency). This variant has not been reported in the literature in individuals affected with ADAMTS2-related conditions. Algorithms developed to predict the effect of missense changes on protein structure and function (SIFT, PolyPhen-2, Align-GVGD) all suggest that this variant is likely to be disruptive. Algorithms developed to predict the effect of sequence changes on RNA splicing suggest that this variant may create or strengthen a splice site. In summary, the available evidence is currently insufficient to determine the role of this variant in disease. Therefore, it has been classified as a Variant of Uncertain Significance.

Natera, Inc.
Classification: Uncertain significance for Ehlers-Danlos syndrome type VIIC. Last evaluated: 2021-03-24. Review status: no assertion criteria provided. Collection method: clinical testing. Allele origin: germline. Not counted in ClinVar's aggregate classification.